The following is an entry in ClinVar:

NM_001127644.2(GABRA1):c.256-2A>G

Gene: GABRA1 (gamma-aminobutyric acid type A receptor subunit alpha1; plus strand). Cytogenetic location: 5q34.
Variant type: single nucleotide variant.
Coding change: c.256-2A>G on transcript NM_001127644.2 (MANE Select); the canonical splice acceptor site of the intron before coding-DNA position 256, A replaced by G.
Molecular consequence: splice acceptor variant.
Genome position (GRCh38, 1-based): chr5:161,873,115, A>G. VCF-style: chr5-161873115-A-G. GRCh37 (hg19) VCF-style: chr5-161300121-A-G.
Other names: c.256-2A>G (NM_000806.5, NM_001127643.2, NM_001127645.2 and 1 more transcripts).
Identifiers: ClinVar variation 422478 (VCV000422478.5), dbSNP rs1064795805, ClinGen allele CA16618155.

ClinVar aggregate classification (germline): Likely pathogenic. Review status: criteria provided, multiple submitters, no conflicts (2 of 4 stars). 2 submissions from 2 submitters: Likely pathogenic (2). Last evaluated 2025-03-06.

Conditions:
Idiopathic generalized epilepsy. Also called: Generalised epilepsy; EIG. Identifiers: MedGen C0270850, MONDO:0005579, OMIM 600669.
Epilepsy, idiopathic generalized, susceptibility to, 13. Also called: EPILEPSY, JUVENILE MYOCLONIC, SUSCEPTIBILITY TO, 5. Identifiers: Orphanet 307, Orphanet 64280, MedGen C4013473, MONDO:0012627, OMIM 611136.
Epilepsy, childhood absence 4 (ECA4). Also called: EPILEPSY, CHILDHOOD ABSENCE, SUSCEPTIBILITY TO, 4. Identifiers: Orphanet 307, MedGen C1970160.

Allele frequency attached by ClinVar (database versions not stated): gnomAD exomes below 0.00001.
gnomAD v4.1: 1 of 1,598,432 alleles (0.000063%); highest among the groups gnomAD compares: Non-Finnish European, 0.000086%; no homozygotes.

Submissions (2):

Labcorp Genetics (formerly Invitae), Labcorp
Classification: Likely pathogenic for Epilepsy, childhood absence 4; Epilepsy, idiopathic generalized, susceptibility to, 13; Idiopathic generalized epilepsy. Last evaluated: 2025-03-06. Review status: criteria provided, single submitter. Criteria: Invitae Variant Classification Sherloc (09022015). Collection method: clinical testing. Allele origin: germline.
Comment: This sequence change affects an acceptor splice site in intron 5 of the GABRA1 gene. It is expected to disrupt RNA splicing. Variants that disrupt the donor or acceptor splice site typically lead to a loss of protein function (PMID: 16199547), and loss-of-function variants in GABRA1 are known to be pathogenic (PMID: 16718694). This variant is not present in population databases (gnomAD no frequency). This variant has not been reported in the literature in individuals affected with GABRA1-related conditions. ClinVar contains an entry for this variant (Variation ID: 422478). Algorithms developed to predict the effect of sequence changes on RNA splicing suggest that this variant may disrupt the consensus splice site. In summary, the currently available evidence indicates that the variant is pathogenic, but additional data are needed to prove that conclusively. Therefore, this variant has been classified as Likely Pathogenic.

GeneDx
Classification: Likely pathogenic. Last evaluated: 2017-12-26. Review status: criteria provided, single submitter. Criteria: GeneDx Variant Classification (06012015). Collection method: clinical testing. Allele origin: germline. Affected: yes.
Comment: A novel c.256-2 A>G variant that is likely pathogenic has been identified in the GABRA1 gene. The c.256-2 A>G variant has not been published as a pathogenic variant, nor has it been reported as a benign variant to our knowledge. It was not observed in approximately 6,500 individuals of European and African American ancestry in the NHLBI Exome Sequencing Project, indicating it is not a common benign variant in these populations. The c.256-2 A>G splice site variant in the GABRA1 gene destroys the canonical splice acceptor site in intron 5. It is predicted to cause abnormal gene splicing, either leading to an abnormal message that is subject to nonsense-mediated mRNA decay, or to an abnormal protein product if the message is used for protein translation. However, in the absence of RNA/functional studies, the actual effect of this sequence change in this individual is unknown. Therefore, this variant is likely pathogenic; however, the possibility that it is benign cannot be excluded.

Literature cited by the submitters: PubMed 16199547 (cited by Labcorp Genetics (formerly Invitae), Labcorp); PubMed 16718694 (cited by Labcorp Genetics (formerly Invitae), Labcorp).